The following is an entry in ClinVar:

NM_021942.6(TRAPPC11):c.3119C>T (p.Thr1040Ile)

Gene: TRAPPC11 (trafficking protein particle complex subunit 11; plus strand). Cytogenetic location: 4q35.1.
Variant type: single nucleotide variant.
Coding change: c.3119C>T on transcript NM_021942.6 (MANE Select); coding-DNA position 3119, C replaced by T.
Protein change: p.Thr1040Ile; replaces threonine 1040 with isoleucine.
Molecular consequence: missense variant.
Genome position (GRCh38, 1-based): chr4:183,706,870, C>T. VCF-style: chr4-183706870-C-T. GRCh37 (hg19) VCF-style: chr4-184628023-C-T.
Other names: c.3119C>T, p.Thr1040Ile (NM_199053.3); short protein forms T1040I.
Identifiers: ClinVar variation 2004506 (VCV002004506.4), dbSNP rs2476970812, ClinGen allele CA358874711.

ClinVar aggregate classification (germline): Uncertain significance (1 of 4 stars; one submission).

Conditions:
Autosomal recessive limb-girdle muscular dystrophy type R18 (LGMDR18). Also called: Limb-girdle muscular dystrophy, type 2S; Autosomal recessive limb-girdle muscular dystrophy type 2S; MUSCULAR DYSTROPHY, LIMB-GIRDLE, AUTOSOMAL RECESSIVE 18. Identifiers: Orphanet 369840, MedGen C4517996, MONDO:0014144, OMIM 615356.

Submission:

Labcorp Genetics (formerly Invitae), Labcorp
Classification: Uncertain significance for Autosomal recessive limb-girdle muscular dystrophy type R18. Last evaluated: 2022-06-10. Review status: criteria provided, single submitter. Criteria: Invitae Variant Classification Sherloc (09022015). Collection method: clinical testing. Allele origin: germline.
Comment: This sequence change replaces threonine, which is neutral and polar, with isoleucine, which is neutral and non-polar, at codon 1040 of the TRAPPC11 protein (p.Thr1040Ile). This variant is not present in population databases (gnomAD no frequency). This variant has not been reported in the literature in individuals affected with TRAPPC11-related conditions. Algorithms developed to predict the effect of missense changes on protein structure and function are either unavailable or do not agree on the potential impact of this missense change (SIFT: "Deleterious"; PolyPhen-2: "Probably Damaging"; Align-GVGD: "Class C0"). In summary, the available evidence is currently insufficient to determine the role of this variant in disease. Therefore, it has been classified as a Variant of Uncertain Significance.